The following is an entry in ClinVar:

ClinVar aggregate classification (germline): Uncertain significance. Review status: criteria provided, multiple submitters, no conflicts (2 of 4 stars). 2 submissions from 2 submitters: Uncertain significance (2). Last evaluated 2026-02-16.

Conditions:
Inborn genetic diseases. Identifiers: MedGen C0950123, MeSH D030342.

gnomAD v4.1: 4 of 1,613,904 alleles (0.00025%); highest among the groups gnomAD compares: Non-Finnish European, 0.00034%; no homozygotes.

Submissions (2):

Ambry Genetics
Classification: Uncertain significance for Inborn genetic diseases. Last evaluated: 2026-02-16. Review status: criteria provided, single submitter. Criteria: Ambry Variant Classification Scheme 2023. Collection method: clinical testing. Allele origin: germline.
Comment: The p.S79T variant (also known as c.235T>A), located in coding exon 1 of the SAMD9L gene, results from a T to A substitution at nucleotide position 235. The serine at codon 79 is replaced by threonine, an amino acid with similar properties. This amino acid position is conserved. In addition, this alteration is predicted to be tolerated by in silico analysis. Based on the available evidence, the clinical significance of this variant remains unclear.

GeneDx
Classification: Uncertain significance. Last evaluated: 2023-05-09. Review status: criteria provided, single submitter. Criteria: GeneDx Variant Classification Process June 2021. Collection method: clinical testing. Allele origin: germline. Affected: yes.
Comment: Not observed at significant frequency in large population cohorts (gnomAD); In silico analysis supports that this missense variant does not alter protein structure/function; Has not been previously published as pathogenic or benign to our knowledge

NM_152703.5(SAMD9L):c.235T>A (p.Ser79Thr)

Gene: SAMD9L (sterile alpha motif domain containing 9 like; minus strand). Cytogenetic location: 7q21.2.
Variant type: single nucleotide variant.
Coding change: c.235T>A on transcript NM_152703.5 (MANE Select); coding-DNA position 235, T replaced by A.
Protein change: p.Ser79Thr; replaces serine 79 with threonine.
Molecular consequence: missense variant.
Genome position (GRCh38, 1-based): chr7:93,135,737, A>T on the plus strand (T>A on the coding strand, the complement: SAMD9L is on the minus strand). VCF-style: chr7-93135737-A-T. GRCh37 (hg19) VCF-style: chr7-92765050-A-T.
Other names: c.235T>A (NM_152703.2); c.235T>A, p.Ser79Thr (NM_001303496.3, NM_001303497.3, NM_001303498.3 and 5 more transcripts); short protein forms S79T.
Identifiers: ClinVar variation 2663166 (VCV002663166.2), dbSNP rs1290593152, ClinGen allele CA368206532.
Genomic context (GRCh38, chr7:93,135,737, plus strand): 5'-CTGTTTTGGACGGTTTTGAATTATCTAATTGTCCCGGATCATGATTGTCACTTTCAGGGG[A>T]CTTACTATTCAATTTGTTGTATGAACGTTTTATCAAAAGTGCTGGACCCCATGGTAGCCC-3'
Protein context (NP_689916.2, residues 69-89): KRSYNKLNSK[Ser79Thr]PESDNHDPGQ